The following is an entry in ClinVar:

ClinVar aggregate classification (germline): Likely benign (0 of 4 stars; one submission).

Conditions:
SEPTIN6-related disorder. Also called: SEPTIN6-related condition.

Allele frequency attached by ClinVar (database versions not stated): ExAC 0.00003; gnomAD 0.00004; TOPMed 0.00006; gnomAD exomes 0.00008.

Submission:

PreventionGenetics, part of Exact Sciences
Classification: Likely benign for SEPTIN6-related condition. Last evaluated: 2020-09-23. Review status: no assertion criteria provided. Collection method: clinical testing. Allele origin: germline.
Comment: This variant is classified as likely benign based on ACMG/AMP sequence variant interpretation guidelines (Richards et al. 2015 PMID: 25741868, with internal and published modifications).

NM_145799.4(SEPTIN6):c.957-5C>T

Gene: SEPTIN6 (septin 6; minus strand). Cytogenetic location: Xq24.
Variant type: single nucleotide variant.
Coding change: c.957-5C>T on transcript NM_145799.4 (MANE Select); 5 bases into the intron before coding-DNA position 957, C replaced by T.
Molecular consequence: intron variant.
Genome position (GRCh38, 1-based): chrX:119,633,497, G>A on the plus strand (C>T on the coding strand, the complement: SEPTIN6 is on the minus strand). VCF-style: chrX-119633497-G-A. GRCh37 (hg19) VCF-style: chrX-118767460-G-A.
Other names: c.957-5C>T (NM_145802.4, NM_145800.4, NM_015129.6 and 1 more transcripts).
Identifiers: ClinVar variation 3032671 (VCV003032671.2), dbSNP rs777131161, ClinGen allele CA10502677.